The following is an entry in ClinVar:

NM_030962.4(SBF2):c.4093A>C (p.Ile1365Leu)

Gene: SBF2 (SET binding factor 2; minus strand). Cytogenetic location: 11p15.4.
Variant type: single nucleotide variant.
Coding change: c.4093A>C on transcript NM_030962.4 (MANE Select); coding-DNA position 4093, A replaced by C.
Protein change: p.Ile1365Leu; replaces isoleucine 1365 with leucine.
Molecular consequence: missense variant.
Genome position (GRCh38, 1-based): chr11:9,812,594, T>G on the plus strand (A>C on the coding strand, the complement: SBF2 is on the minus strand). VCF-style: chr11-9812594-T-G. GRCh37 (hg19) VCF-style: chr11-9834141-T-G.
Other names: c.4189A>C, p.Ile1397Leu (NM_001386339.1); c.3964A>C, p.Ile1322Leu (NM_001386342.1); short protein forms I1322L, I1397L, I1365L.
Identifiers: ClinVar variation 1737764 (VCV001737764.3), dbSNP rs1854250836, ClinGen allele CA379643160.
Genomic context (GRCh38, chr11:9,812,594, plus strand): 5'-GTGGGAACCACTCAGAATCTCCCAGCGCTTTCAGGAAGGTCACTTCTGAGTCAGTAGGGA[T>G]GGTGCTTGGGATACAAGCCCTCATCAGCTTCTTAAAACTGGCTTTCACTTGCCGGATTTC-3'
Protein context (NP_112224.1, residues 1355-1375): KLMRACIPST[Ile1365Leu]PTDSEVTFLK

ClinVar aggregate classification (germline): Uncertain significance. Review status: criteria provided, multiple submitters, no conflicts (2 of 4 stars). 2 submissions from 2 submitters: Uncertain significance (2). Last evaluated 2025-02-06.

Conditions:
Inborn genetic diseases. Identifiers: MedGen C0950123, MeSH D030342.

Allele frequency attached by ClinVar (database versions not stated): gnomAD 0.00001.
gnomAD v4.1: 1 of 1,614,118 alleles (0.000062%); highest among the groups gnomAD compares: Admixed American, 0.0017%; no homozygotes.

Submissions (2):

GeneDx
Classification: Uncertain significance. Last evaluated: 2025-02-06. Review status: criteria provided, single submitter. Criteria: GeneDx Variant Classification Process June 2021. Collection method: clinical testing. Allele origin: germline. Affected: yes.
Comment: Not observed at significant frequency in large population cohorts (gnomAD); In silico analysis indicates that this missense variant does not alter protein structure/function; Has not been previously published as pathogenic or benign to our knowledge

Ambry Genetics
Classification: Uncertain significance for Inborn genetic diseases. Last evaluated: 2022-01-30. Review status: criteria provided, single submitter. Criteria: Ambry Variant Classification Scheme 2023. Collection method: clinical testing. Allele origin: germline.
Comment: The p.I1365L variant (also known as c.4093A>C), located in coding exon 30 of the SBF2 gene, results from an A to C substitution at nucleotide position 4093. The isoleucine at codon 1365 is replaced by leucine, an amino acid with highly similar properties. This amino acid position is conserved. In addition, the in silico prediction for this alteration is inconclusive. Since supporting evidence is limited at this time, the clinical significance of this alteration remains unclear.